The following is an entry in ClinVar:

NM_004360.5(CDH1):c.1713T>C (p.Gly571=)

Gene: CDH1 (cadherin 1; plus strand). Cytogenetic location: 16q22.1.
Variant type: single nucleotide variant.
Coding change: c.1713T>C on transcript NM_004360.5 (MANE Select); coding-DNA position 1713, T replaced by C.
Protein change: p.Gly571=; no amino-acid change (glycine 571 retained).
Molecular consequence: synonymous variant. On other transcripts: 5 prime UTR variant (1).
Genome position (GRCh38, 1-based): chr16:68,822,002, T>C. VCF-style: chr16-68822002-T-C. GRCh37 (hg19) VCF-style: chr16-68855905-T-C.
Other names: c.1530T>C, p.Gly510= (NM_001317184.2); c.165T>C, p.Gly55= (NM_001317185.2); c.-253T>C (NM_001317186.2).
Identifiers: ClinVar variation 3378602 (VCV003378602.1).

ClinVar aggregate classification (germline): Benign (1 of 4 stars; one submission).

Conditions:
Hereditary diffuse gastric adenocarcinoma (HDGC). Also called: DIFFUSE GASTRIC AND LOBULAR BREAST CANCER SYNDROME. Identifiers: Orphanet 26106, MedGen C1708349, MONDO:0007648, OMIM 137215.

Submission:

Myriad Genetics, Inc.
Classification: Benign for Hereditary diffuse gastric adenocarcinoma. Last evaluated: 2024-09-19. Review status: criteria provided, single submitter. Criteria: Myriad Autosomal Dominant, Autosomal Recessive and X-Linked Classification Criteria (2023). Collection method: clinical testing. Allele origin: unknown.
Comment: This variant is considered benign. This variant is a silent/synonymous amino acid change and it is not expected to impact splicing.